The following continues an entry in ClinVar:

NM_000492.4(CFTR):c.3454G>C (p.Asp1152His)

ClinVar aggregate classification (germline): drug response. drug response (1).

Submissions 9 to 19 of 47:

ARUP Laboratories, Molecular Genetics and Genomics, ARUP Laboratories
Classification: Pathogenic for Cystic fibrosis; Bronchiectasis with or without elevated sweat chloride 1; Hereditary pancreatitis; Congenital bilateral aplasia of vas deferens from CFTR mutation. Last evaluated: 2025-07-31. Review status: criteria provided, single submitter. Criteria: ARUP Molecular Germline Variant Investigation Process 2024. Collection method: clinical testing. Allele origin: germline. Not counted in ClinVar's aggregate classification.
Comment: The CFTR c.3454G>C; p.Asp1152His variant (rs75541969) is reported in the literature in multiple individuals affected with classic cystic fibrosis or CFTR-related disorders (Chillon 1995, Gallati 2009, Highsmith 2005, LaRusch 2014, Masson 2013, Steiner 2011, Sosnay 2013, CFTR2 database). This variant is also reported in ClinVar (Variation ID: 35867), and is found in the general population with an overall allele frequency of 0.038% (106/282326 alleles) in the Genome Aggregation Database. The aspartic acid at codon 1152 is moderately conserved, and computational analyses are uncertain whether this variant is neutral or deleterious (REVEL: 0.657). Functional characterization of the variant protein indicates a significant reduction in chloride and bicarbonate transport activity (LaRusch 2014, Sosnay 2013, Van Goor 2014, Vankeerberghen 1998). Genotype-phenotype correlation studies have demonstrated that this variant, in combination with another pathogenic CFTR variant (e.g. p.Phe508del), is associated with highly variable clinical presentations, ranging from asymptomatic to pancreatic insufficient CF (Burgel 2010, Mussaffi 2006, Terlizzi 2015, CFTR2 database). Based on available information, the p.Asp1152His variant is classified as pathogenic with varying clinical consequences. References: Link to CFTR2 database: Burgel P et al. Non-classic cystic fibrosis associated with D1152H CFTR mutation. Clin Genet. 2010; 77(4):355-64. PMID: 19843100. Chillon M et al. Mutations in the cystic fibrosis gene in patients with congenital absence of the vas deferens. N Engl J Med. 1995; 332(22):1475-80. PMID: 7739684. Gallati S et al. Cystic fibrosis transmembrane conductance regulator mutations in azoospermic and oligospermic men and their partners. Reprod Biomed Online. 2009; 19(5):685-94. PMID: 20021716. Highsmith WE Jr et al. A CFTR mutation (D1152H) in a family with mild lung disease and normal sweat chlorides. Clin Genet. 2005; 68(1):88-90. PMID: 15952991. LaRusch J et al. Mechanisms of CFTR functional variants that impair regulated bicarbonate permeation and increase risk for pancreatitis but not for cystic fibrosis. PLoS Genet. 2014; 10(7):e1004376. PMID: 25033378. Masson E et al. A conservative assessment of the major genetic causes of idiopathic chronic pancreatitis: data from a comprehensive analysis of PRSS1, SPINK1, CTRC and CFTR genes in 253 young French patients. PLoS One. 2013; 8(8):e73522. PMID: 23951356. Mussaffi H et al. Cystic fibrosis mutations with widely variable phenotype: the D1152H example. Pediatr Pulmonol. 2006; 41(3):250-4. PMID: 16429425. Sosnay PR et al. Defining the disease liability of variants in the cystic fibrosis transmembrane conductance regulator gene. Nat Genet. 2013; 45(10):1160-7. PMID: 23974870. Steiner B et al. Common CFTR haplotypes and susceptibility to chronic pancreatitis and congenital bilateral absence of the vas deferens. Hum Mutat. 2011; 32(8):912-20. PMID: 21520337. Terlizzi V et al. Clinical expression of patients with the D1152H CFTR mutation. J Cyst Fibros. 2015; 14(4):447-52. PMID: 25583415. Van Goor F et al. Effect of ivacaftor on CFTR forms with missense mutations associated with defects in protein processing or function. J Cyst Fibros. 2014; 13(1):29-36. PMID: 23891399. Vankeerberghen A et al. Characterization of 19 disease-associated missense mutations in the regulatory domain of the cystic fibrosis transmembrane conductance regulator. Hum Mol Genet. 1998; 7(11):1761-9. PMID: 9736778.

Ambry Genetics
Classification: Pathogenic for Cystic fibrosis. Last evaluated: 2025-01-28. Review status: criteria provided, single submitter. Criteria: Ambry Variant Classification Scheme 2023. Collection method: clinical testing. Allele origin: germline. Not counted in ClinVar's aggregate classification.
Comment: The p.D1152H pathogenic mutation (also known as c.3454G>C), located in coding exon 21 of the CFTR gene, results from a G to C substitution at nucleotide position 3454. The aspartic acid at codon 1152 is replaced by histidine, an amino acid with similar properties. In one study, 45 individuals with a p.D1152H allele in trans with another CFTR mutation were identified with features including bronchiectasis and congenital bilateral absence of the vas deferens (CBAVD) (Burgel PR et al. Clin. Genet., 2010 Apr;77:355-64). Numerous studies have concluded this mutation is often associated with a mild cystic fibrosis presentation or CFTR-related disorder characterized by mild pulmonary disease, varying clinical expression, and prolonged survival (Schulz A et al. J. Cyst. Fibros., 2016 Sep;15:641-4; Gaitch N et al. Pancreatology Apr;16:515-22; Lucarelli M et al. Mol. Med., 2015 Apr;21:257-75) and it has been described as a variant of varying clinical consequences (VVCC) (Sosnay PR et al. Pediatr. Clin. North Am., 2016 08;63:585-98; Salinas DB et al. PLoS ONE, 2016 May;11:e0155624). Functional in vitro studies found that cells carrying this pathogenic mutation retained the ability to conduct chloride (Sosnay PR et al. Nat. Genet. 2013 Oct; 45(10):1160-7). This amino acid position is not well conserved in available vertebrate species. In addition, this alteration is predicted to be deleterious by in silico analysis. Based on the supporting evidence, this variant is interpreted as a disease-causing mutation.

Revvity Omics, Revvity
Classification: Pathogenic. Last evaluated: 2024-11-05. Review status: criteria provided, single submitter. Criteria: ACMG Guidelines, 2015. Collection method: clinical testing. Allele origin: germline. Not counted in ClinVar's aggregate classification.

Blueprint Genetics
Classification: Pathogenic for CFTR-related disorders. Last evaluated: 2024-10-09. Review status: criteria provided, single submitter. Criteria: ACMG Guidelines, 2015. Collection method: clinical testing. Allele origin: germline. Affected: yes. Observed: 5 variant alleles. Not counted in ClinVar's aggregate classification.

Quest Diagnostics Nichols Institute San Juan Capistrano
Classification: Pathogenic. Last evaluated: 2024-09-07. Review status: criteria provided, single submitter. Criteria: Quest Diagnostics criteria. Collection method: clinical testing. Allele origin: unknown. Not counted in ClinVar's aggregate classification.
Comment: The CFTR c.3454G>C (p.Asp1152His) variant has been reported in the published literature in many individuals affected with either cystic fibrosis (may be milder than the classical presentation) (PMIDs: 27659740 (2017), 27214204 (2016), 27086061 (2016), 26755536 (2016), 25910067 (2015), 25583415 (2015)) or a CFTR-related disease (PMIDs: 7739684 (1995), 22020151 (2012), 23951356 (2013), 27171515 (2016), 27738188 (2017)). It is described as a variant having varying clinical consequences (CFTR2). In addition, published functional studies demonstrated that this variant partially reduces chloride transport activity, affects proper channel gating, and reduces bicarbonate permeability (PMIDs: 32414100 (2020), 25033378 (2014), 23891399 (2014), 9804160 (1998)). The frequency of this variant in the general population, 0.0026 (27/10360 chromosomes (Genome Aggregation Database)), is consistent with pathogenicity. Based on the available information, this variant is classified as pathogenic.

Department of Genomics, ADN Uruguay
Classification: Pathogenic for Melanoma-pancreatic cancer syndrome. Last evaluated: 2024-06-27. Review status: criteria provided, single submitter. Criteria: Assertion Criteria Germline. Collection method: clinical testing. Allele origin: germline. Inheritance: Autosomal dominant inheritance. Affected: yes. Observed: 1 variant allele. Not counted in ClinVar's aggregate classification.
Comment: The CFTR c.3454G>C (p.Asp1152His) variant is a missense change in exon 22. It has been reported in multiple studies (PMID:25033378, PMID:25583415) and is associated with altered CFTR channel function leading to impaired bicarbonate conductance and increased risk for pancreatitis. Functional assays demonstrate reduced but residual CFTR activity (PS3_moderate). The variant is rare in population databases (gnomAD frequency 0.00039849) (PM2), and multiple computational tools (SIFT, PolyPhen-2, MutationTaster) predict a deleterious effect (PP3). Based on ACMG/AMP 2015 criteria (PS3_moderate, PM2, PP3), this variant is classified as Pathogenic.

Fulgent Genetics
Classification: Pathogenic for Hereditary pancreatitis; Bronchiectasis with or without elevated sweat chloride 1; Cystic fibrosis; Congenital bilateral aplasia of vas deferens from CFTR mutation. Last evaluated: 2024-04-12. Review status: criteria provided, single submitter. Criteria: ACMG Guidelines, 2015. Collection method: clinical testing. Allele origin: germline. Not counted in ClinVar's aggregate classification.

Baylor Genetics
Classification: Pathogenic for Bronchiectasis with or without elevated sweat chloride 1. Last evaluated: 2024-03-30. Review status: criteria provided, single submitter. Criteria: ACMG Guidelines, 2015. Collection method: clinical testing. Allele origin: unknown. Not counted in ClinVar's aggregate classification.

Genetic Services Laboratory, University of Chicago
Classification: Pathogenic. Last evaluated: 2024-03-20. Review status: criteria provided, single submitter. Criteria: ACMG Guidelines, 2015. Collection method: clinical testing. Allele origin: germline. Affected: yes. Not counted in ClinVar's aggregate classification.
Comment: DNA sequence analysis of the CFTR gene demonstrated a sequence change, c.3454G>C, in exon 21 that results in an amino acid change, p.Asp1152His. The p.Asp1152His change affects a moderately conserved amino acid residue located in a domain of the CFTR protein that is known to be functional. In-silico pathogenicity prediction tools (SIFT, PolyPhen2, Align GVGD, REVEL) provide contradictory results for the p.Asp1152His substitution. This pathogenic sequence change has previously been described in the bi-allelic state in several individuals with CFTR-related disorders (PMID: 22020151, 18301294, 12124706, 22156145, 25583415). This sequence change has been described in the gnomAD database with a frequency of 0.26% in the Ashkenazi Jewish subpopulation and 0.04% in the overall population (dbSNP rs75541969). Functional studies indicate that this sequence change has an effect on CFTR function (PMID: 9804160, 25033378). These collective evidences indicate that this sequence change is pathogenic.

Baylor Genetics
Classification: Pathogenic for Cystic fibrosis. Last evaluated: 2023-10-01. Review status: criteria provided, single submitter. Criteria: ACMG Guidelines, 2015. Collection method: clinical testing. Allele origin: unknown. Not counted in ClinVar's aggregate classification.

Clinical Genetics Laboratory, Skane University Hospital Lund
Classification: Likely pathogenic. Last evaluated: 2023-03-08. Review status: criteria provided, single submitter. Criteria: ACMG Guidelines, 2015. Collection method: clinical testing. Allele origin: germline. Affected: yes. Not counted in ClinVar's aggregate classification.